The following is an entry in ClinVar:

NM_004525.3(LRP2):c.5107C>T (p.Pro1703Ser)

Gene: LRP2 (LDL receptor related protein 2; minus strand). Cytogenetic location: 2q31.1.
Variant type: single nucleotide variant.
Coding change: c.5107C>T on transcript NM_004525.3 (MANE Select); coding-DNA position 5107, C replaced by T.
Protein change: p.Pro1703Ser; replaces proline 1703 with serine.
Molecular consequence: missense variant.
Genome position (GRCh38, 1-based): chr2:169,231,834, G>A on the plus strand (C>T on the coding strand, the complement: LRP2 is on the minus strand). VCF-style: chr2-169231834-G-A. GRCh37 (hg19) VCF-style: chr2-170088344-G-A.
Other names: short protein forms P1703S.
Identifiers: ClinVar variation 332163 (VCV000332163.25), dbSNP rs141260047, ClinGen allele CA1954609.
Genomic context (GRCh38, chr2:169,231,834, plus strand): 5'-AAAAATGAGGCCCCTGTGAGGAAAGCAGGCAGAGATGGCTGCAGCGGGAAAAGGCACATG[G>A]ATTCACGGCTGCATGAGAAAGAGAAGAAAGCACCAGTAAGTGGAAAACCTCCACATTAAA-3'
Protein context (NP_004516.2, residues 1693-1713): HPSKQPNSVN[Pro1703Ser]CAFSRCSHLC

ClinVar aggregate classification (germline): Conflicting classifications of pathogenicity. Review status: criteria provided, conflicting classifications (1 of 4 stars). 7 submissions from 7 submitters: Uncertain significance (4); Likely benign (3). Last evaluated 2026-01-26.

Conditions:
Donnai-Barrow syndrome. Also called: DBS/FOAR SYNDROME; FACIOOCULOACOUSTICORENAL SYNDROME. Identifiers: Orphanet 2143, MedGen C1857277, MONDO:0009104, OMIM 222448.
Inborn genetic diseases. Identifiers: MedGen C0950123, MeSH D030342.

Allele frequency attached by ClinVar (database versions not stated): TOPMed 0.00018; gnomAD exomes 0.00020 and 0.00027; ExAC 0.00021; gnomAD 0.00023 and 0.00024; ESP Exome Variant Server 0.00031.
gnomAD v4.1: 422 of 1,613,892 alleles (0.026%); highest among the groups gnomAD compares: Non-Finnish European, 0.031%; no homozygotes.

Submissions (7):

Labcorp Genetics (formerly Invitae), Labcorp
Classification: Likely benign. Last evaluated: 2026-01-26. Review status: criteria provided, single submitter. Criteria: Invitae Variant Classification Sherloc (09022015). Collection method: clinical testing. Allele origin: germline.

CeGaT Center for Human Genetics Tuebingen
Classification: Uncertain significance. Last evaluated: 2025-11-01. Review status: criteria provided, single submitter. Criteria: CeGaT Center For Human Genetics Tuebingen Variant Classification Criteria Version 2. Collection method: clinical testing. Allele origin: germline. Affected: yes. Observed: 1 variant allele.
Comment: LRP2: PM2

Blueprint Genetics
Classification: Likely benign. Last evaluated: 2024-11-15. Review status: criteria provided, single submitter. Criteria: ACMG Guidelines, 2015. Collection method: clinical testing. Allele origin: germline.

Ambry Genetics
Classification: Likely benign for Inborn genetic diseases. Last evaluated: 2021-07-20. Review status: criteria provided, single submitter. Criteria: Ambry Variant Classification Scheme 2023. Collection method: clinical testing. Allele origin: germline.

Genome-Nilou Lab
Classification: Uncertain significance for Donnai-Barrow syndrome. Last evaluated: 2021-07-15. Review status: criteria provided, single submitter. Criteria: ACMG Guidelines, 2015. Collection method: clinical testing. Allele origin: germline. Affected: no.

Illumina Laboratory Services, Illumina
Classification: Uncertain significance for Donnai-Barrow syndrome. Last evaluated: 2018-01-13. Review status: criteria provided, single submitter. Criteria: ICSL Variant Classification Criteria 13 December 2019. Collection method: clinical testing. Allele origin: germline.

Genetic Services Laboratory, University of Chicago
Classification: Uncertain significance. Last evaluated: 2017-02-28. Review status: criteria provided, single submitter. Criteria: ACMG Guidelines, 2015. Collection method: clinical testing. Allele origin: germline. Affected: no.